The following is an entry in ClinVar:

ClinVar aggregate classification (germline): Likely benign. Review status: criteria provided, multiple submitters, no conflicts (2 of 4 stars). 3 submissions from 3 submitters: Likely benign (2). 1 of the submissions does not count toward it. Last evaluated 2025-12-05.

Conditions:
SETD5-related disorder. Also called: SETD5-related disorders; SETD5-related condition.

Allele frequency attached by ClinVar (database versions not stated): ExAC 0.00006; gnomAD exomes 0.00011; gnomAD 0.00013 and 0.00014.
gnomAD v4.1: 132 of 1,613,972 alleles (0.0082%); highest among the groups gnomAD compares: Admixed American, 0.055%; no homozygotes.

Submissions (3):

Labcorp Genetics (formerly Invitae), Labcorp
Classification: Likely benign. Last evaluated: 2025-12-05. Review status: criteria provided, single submitter. Criteria: Invitae Variant Classification Sherloc (09022015). Collection method: clinical testing. Allele origin: germline.

GeneDx
Classification: Likely benign. Last evaluated: 2021-05-27. Review status: criteria provided, single submitter. Criteria: GeneDx Variant Classification Process June 2021. Collection method: clinical testing. Allele origin: germline. Affected: yes.

PreventionGenetics, part of Exact Sciences
Classification: Likely benign for SETD5-related condition. Last evaluated: 2019-05-08. Review status: no assertion criteria provided. Collection method: clinical testing. Allele origin: germline. Not counted in ClinVar's aggregate classification.
Comment: This variant is classified as likely benign based on ACMG/AMP sequence variant interpretation guidelines (Richards et al. 2015 PMID: 25741868, with internal and published modifications).

NM_001080517.3(SETD5):c.3327C>A (p.Asp1109Glu)

Gene: SETD5 (SET domain containing 5; plus strand). Cytogenetic location: 3p25.3.
Variant type: single nucleotide variant.
Coding change: c.3327C>A on transcript NM_001080517.3 (MANE Select); coding-DNA position 3327, C replaced by A.
Protein change: p.Asp1109Glu; replaces aspartic acid 1109 with glutamic acid.
Molecular consequence: missense variant.
Genome position (GRCh38, 1-based): chr3:9,473,367, C>A. VCF-style: chr3-9473367-C-A. GRCh37 (hg19) VCF-style: chr3-9515051-C-A.
Other names: c.3033C>A, p.Asp1011Glu (NM_001292043.2, NM_001349451.2); c.3327C>A (NM_001080517.2); short protein forms D1011E, D1109E.
Identifiers: ClinVar variation 1205203 (VCV001205203.13), dbSNP rs760465647, ClinGen allele CA2239666.
Genomic context (GRCh38, chr3:9,473,367, plus strand): 5'-TGCACAGAGCAAAAGCAAGTCTGCAGGAGCTGGGCAAGGCAGCAGTAACTCCGTTTCCGA[C>A]ACTGGTGCCCATGGTGTGCAGGGATCCTCAGCCCGAACTCCATCTTCCCCTCACAAAAAA-3'
Protein context (NP_001073986.1, residues 1099-1119): AGQGSSNSVS[Asp1109Glu]TGAHGVQGSS